The following is an entry in ClinVar:

ClinVar aggregate classification (germline): Conflicting classifications of pathogenicity. Review status: criteria provided, conflicting classifications (1 of 4 stars). 2 submissions from 2 submitters: Uncertain significance (1); Likely benign (1). Last evaluated 2024-04-25.

Allele frequency attached by ClinVar (database versions not stated): gnomAD exomes 0.00004 and 0.00005; TOPMed 0.00005; ExAC 0.00006; gnomAD 0.00007.
gnomAD v4.1: 74 of 1,612,146 alleles (0.0046%); highest among the groups gnomAD compares: East Asian, 0.02%; no homozygotes.

Submissions (2):

Mayo Clinic Laboratories, Mayo Clinic
Classification: Uncertain significance. Last evaluated: 2024-04-25. Review status: criteria provided, single submitter. Criteria: ACMG Guidelines, 2015. Collection method: clinical testing. Allele origin: germline. Observed: 1 variant allele.
Comment: BP4

GeneDx
Classification: Likely benign. Last evaluated: 2019-08-23. Review status: criteria provided, single submitter. Criteria: GeneDx Variant Classification Process June 2021. Collection method: clinical testing. Allele origin: germline. Affected: yes.

NM_001267550.2(TTN):c.48844G>A (p.Val16282Ile)

Genes: TTN (titin; minus strand), TTN-AS1 (TTN antisense RNA 1; plus strand), LOC126806426 (BRD4-independent group 4 enhancer GRCh37_chr2:179478848-179480047; plus strand). Cytogenetic location: 2q31.2.
Variant type: single nucleotide variant.
Coding change: c.48844G>A on transcript NM_001267550.2 (MANE Select); coding-DNA position 48844, G replaced by A.
Protein change: p.Val16282Ile; replaces valine 16282 with isoleucine.
Molecular consequence: missense variant. On other transcripts: non-coding transcript variant (1).
Genome position (GRCh38, 1-based): chr2:178,614,670, C>T on the plus strand (G>A on the coding strand, the complement: TTN is on the minus strand). VCF-style: chr2-178614670-C-T. GRCh37 (hg19) VCF-style: chr2-179479397-C-T.
Other names: p.Val14641Ile; c.43921G>A, p.Val14641Ile (NM_001256850.1); c.21649G>A, p.Val7217Ile (NM_003319.4); c.41140G>A, p.Val13714Ile (NM_133378.4); c.22024G>A, p.Val7342Ile (NM_133432.3); c.22225G>A, p.Val7409Ile (NM_133437.4); short protein forms V13714I, V14641I, V16282I, V7217I, V7342I, V7409I.
Identifiers: ClinVar variation 1219280 (VCV001219280.4), dbSNP rs776265864, ClinGen allele CA1994736.